The following is an entry in ClinVar:

ClinVar aggregate classification (germline): Uncertain significance (1 of 4 stars; one submission).

Conditions:
MHC class I deficiency. Identifiers: Orphanet 34592, MedGen C6024714, MONDO:0011476.

Submission:

Labcorp Genetics (formerly Invitae), Labcorp
Classification: Uncertain significance for MHC class I deficiency 1. Last evaluated: 2020-08-07. Review status: criteria provided, single submitter. Criteria: Invitae Variant Classification Sherloc (09022015). Collection method: clinical testing. Allele origin: germline.
Comment: This sequence change replaces alanine with valine at codon 23 of the TAPBP protein (p.Ala23Val). The alanine residue is weakly conserved and there is a small physicochemical difference between alanine and valine. This variant is not present in population databases (ExAC no frequency). In summary, the available evidence is currently insufficient to determine the role of this variant in disease. Therefore, it has been classified as a Variant of Uncertain Significance. Algorithms developed to predict the effect of missense changes on protein structure and function (SIFT, PolyPhen-2, Align-GVGD) all suggest that this variant is likely to be tolerated, but these predictions have not been confirmed by published functional studies and their clinical significance is uncertain. This variant has not been reported in the literature in individuals with TAPBP-related conditions.

NM_003190.5(TAPBP):c.68C>T (p.Ala23Val)

Gene: TAPBP (TAP binding protein; minus strand). Cytogenetic location: 6p21.32.
Variant type: single nucleotide variant.
Coding change: c.68C>T on transcript NM_003190.5 (MANE Select); coding-DNA position 68, C replaced by T.
Protein change: p.Ala23Val; replaces alanine 23 with valine.
Molecular consequence: missense variant.
Genome position (GRCh38, 1-based): chr6:33,313,834, G>A on the plus strand (C>T on the coding strand, the complement: TAPBP is on the minus strand). VCF-style: chr6-33313834-G-A. GRCh37 (hg19) VCF-style: chr6-33281611-G-A.
Other names: c.68C>T, p.Ala23Val (NM_172208.3, NM_172209.3); short protein forms A23V.
Identifiers: ClinVar variation 1002276 (VCV001002276.8), dbSNP rs1769577639, ClinGen allele CA363623423.